The following is an entry in ClinVar:

ClinVar aggregate classification (germline): Uncertain significance (1 of 4 stars; one submission).

Conditions:
Hereditary breast ovarian cancer syndrome. Also called: Hereditary breast and ovarian cancer syndrome; Hereditary breast and ovarian cancer; BRCA1- and BRCA2-Associated Hereditary Breast and Ovarian Cancer; Hereditary breast and/or ovarian cancer syndrome; Hereditary breast and ovarian cancer syndrome (HBOC); Breast and ovarian cancer. Identifiers: Orphanet 145, MedGen C0677776, MeSH D061325, MONDO:0003582. Disease mechanism: loss of function.

Submission:

Labcorp Genetics (formerly Invitae), Labcorp
Classification: Uncertain significance for Hereditary breast ovarian cancer syndrome. Last evaluated: 2021-04-23. Review status: criteria provided, single submitter. Criteria: Invitae Variant Classification Sherloc (09022015). Collection method: clinical testing. Allele origin: germline.
Comment: In summary, the available evidence is currently insufficient to determine the role of this variant in disease. Therefore, it has been classified as a Variant of Uncertain Significance. Algorithms developed to predict the effect of missense changes on protein structure and function are either unavailable or do not agree on the potential impact of this missense change (SIFT: "Tolerated"; PolyPhen-2: "Possibly Damaging"; Align-GVGD: "Class C0"). This variant has not been reported in the literature in individuals with BRCA1-related conditions. This variant is not present in population databases (ExAC no frequency). This sequence change replaces glycine with arginine at codon 160 of the BRCA1 protein (p.Gly160Arg). The glycine residue is moderately conserved and there is a moderate physicochemical difference between glycine and arginine.

NM_007294.4(BRCA1):c.478G>C (p.Gly160Arg)

Gene: BRCA1 (BRCA1 DNA repair associated; minus strand). Cytogenetic location: 17q21.31.
Variant type: single nucleotide variant.
Coding change: c.478G>C on transcript NM_007294.4 (MANE Select); coding-DNA position 478, G replaced by C.
Protein change: p.Gly160Arg; replaces glycine 160 with arginine.
Molecular consequence: missense variant. On other transcripts: non-coding transcript variant (1).
Genome position (GRCh38, 1-based): chr17:43,099,844, C>G on the plus strand (G>C on the coding strand, the complement: BRCA1 is on the minus strand). VCF-style: chr17-43099844-C-G. GRCh37 (hg19) VCF-style: chr17-41251861-C-G.
Other names: c.265G>C, p.Gly89Arg (NM_001407571.1, NM_001407853.1, NM_001407894.1 and 18 more transcripts); c.478G>C, p.Gly160Arg (NM_001407581.1, NM_001407582.1, NM_001407583.1 and 97 more transcripts); c.475G>C, p.Gly159Arg (NM_001407587.1, NM_001407590.1, NM_001407591.1 and 65 more transcripts); c.469G>C, p.Gly157Arg (NM_001407646.1, NM_001407647.1, NM_001408408.1); c.400G>C, p.Gly134Arg (NM_001407653.1, NM_001407654.1, NM_001407655.1 and 12 more transcripts); c.397G>C, p.Gly133Arg (NM_001407659.1, NM_001407660.1, NM_001407661.1 and 6 more transcripts); c.337G>C, p.Gly113Arg (NM_001407692.1, NM_001407694.1, NM_001407695.1 and 61 more transcripts); c.334G>C, p.Gly112Arg (NM_001407740.1, NM_001407741.1, NM_001407742.1 and 35 more transcripts); and 4 more; short protein forms G113R, G160R, G115R, G32R, G112R, G33R, G90R, G133R.
Identifiers: ClinVar variation 1390011 (VCV001390011.9), dbSNP rs62625285, ClinGen allele CA10601183.